The following is an entry in ClinVar:

ClinVar aggregate classification (germline): Benign/Likely benign. Review status: criteria provided, multiple submitters, no conflicts (2 of 4 stars). 12 submissions from 12 submitters: Benign (7); Likely benign (3). 2 of the submissions do not count toward it. Last evaluated 2026-01-11.

Conditions:
Inborn genetic diseases. Identifiers: MedGen C0950123, MeSH D030342.
RPS6KA3-related disorder. Also called: RPS6KA3-related condition.
Coffin-Lowry syndrome (CLS). Also called: Mental retardation with osteocartilaginous abnormalities; COFFIN-LOWRY SYNDROME, MILD. Identifiers: Orphanet 192, MedGen C0265252, MONDO:0010561, OMIM 303600.
Intellectual developmental disorder, X-linked 19. Also called: Intellectual disability, X-linked 19. Identifiers: Orphanet 777, MedGen C0796225, MONDO:0010447, OMIM 300844.
Intellectual disability. Also called: Intellectual functioning disability; intellectual disabilities; Intellectual developmental disorder. Identifiers: MedGen C3714756, MeSH D008607, MONDO:0001071, HP:0001249.

Allele frequency attached by ClinVar (database versions not stated): 1000 Genomes Project 30x 0.00062; TOPMed 0.00065; 1000 Genomes Project 0.00079; ESP Exome Variant Server 0.00095; gnomAD 0.00128 and 0.00133; gnomAD exomes 0.00130 and 0.00151; ExAC 0.00136.
gnomAD v4.1: 1,550 of 1,208,024 alleles (0.13%); highest among the groups gnomAD compares: Non-Finnish European, 0.12%; 3 homozygotes.

Submissions (12):

Labcorp Genetics (formerly Invitae), Labcorp
Classification: Benign for Coffin-Lowry syndrome; Intellectual developmental disorder, X-linked 19. Last evaluated: 2026-01-11. Review status: criteria provided, single submitter. Criteria: Invitae Variant Classification Sherloc (09022015). Collection method: clinical testing. Allele origin: germline.

CeGaT Center for Human Genetics Tuebingen
Classification: Benign. Last evaluated: 2025-10-01. Review status: criteria provided, single submitter. Criteria: CeGaT Center For Human Genetics Tuebingen Variant Classification Criteria Version 2. Collection method: clinical testing. Allele origin: germline. Affected: yes. Observed: 5 variant alleles.
Comment: RPS6KA3: PP2, BS1, BS2

Blueprint Genetics
Classification: Likely benign. Last evaluated: 2024-11-18. Review status: criteria provided, single submitter. Criteria: ACMG Guidelines, 2015. Collection method: clinical testing. Allele origin: germline.

Mendelics
Classification: Benign for Coffin-Lowry syndrome. Last evaluated: 2023-08-22. Review status: criteria provided, single submitter. Criteria: Mendelics Assertion Criteria 2019. Collection method: clinical testing. Allele origin: germline.

Women's Health and Genetics/Laboratory Corporation of America, LabCorp
Classification: Benign. Last evaluated: 2022-07-12. Review status: criteria provided, single submitter. Criteria: LabCorp Variant Classification Summary - May 2015. Collection method: clinical testing. Allele origin: germline.
Comment: Variant summary: RPS6KA3 c.2168G>A (p.Arg723His) results in a non-conservative amino acid change located in the Ribosomal protein S6 kinase alpha-3, C-terminal catalytic domain (IPR041905) of the encoded protein sequence. Three of five in-silico tools predict a benign effect of the variant on protein function. The variant allele was found at a frequency of 0.0016 in 203701 control chromosomes, predominantly at a frequency of 0.0099 within the Finnish subpopulation in the gnomAD database, including 2 homozygotes. The observed variant frequency within Finnish control individuals in the gnomAD database is approximately 2 fold of the estimated maximal expected allele frequency for a pathogenic variant in RPS6KA3 causing Coffin-Lowry Syndrome phenotype (0.005), strongly suggesting that the variant is a benign polymorphism found primarily in populations of Finnish origin. To our knowledge, no experimental evidence demonstrating its impact on protein function have been reported. Eight ClinVar submitters (evaluation after 2014) cite the variant as uncertain significance (n=2), likely benign (n=2) and benign (n=4). Based on the evidence outlined above, the variant was classified as benign.

GeneDx
Classification: Benign. Last evaluated: 2019-06-20. Review status: criteria provided, single submitter. Criteria: GeneDx Variant Classification Process June 2021. Collection method: clinical testing. Allele origin: germline. Affected: yes.
Comment: This variant is associated with the following publications: (PMID: 31019283, 30378261, 16879200, 11180593)

Equipe Genetique des Anomalies du Developpement, Université de Bourgogne
Classification: Likely benign for Intellectual developmental disorder, X-linked 19. Last evaluated: 2018-11-21. Review status: criteria provided, single submitter. Criteria: ACMG Guidelines, 2015. Collection method: clinical testing. Allele origin: unknown.

Genetic Services Laboratory, University of Chicago
Classification: Likely benign. Last evaluated: 2017-08-02. Review status: criteria provided, single submitter. Criteria: ACMG Guidelines, 2015. Collection method: clinical testing. Allele origin: germline. Affected: no.

Ambry Genetics
Classification: Benign for Inborn genetic diseases. Last evaluated: 2017-07-05. Review status: criteria provided, single submitter. Criteria: Ambry Variant Classification Scheme 2023. Collection method: clinical testing. Allele origin: germline.

Eurofins Ntd Llc (ga)
Classification: Benign. Last evaluated: 2017-02-22. Review status: criteria provided, single submitter. Criteria: EGL Classification Definitions 2015. Collection method: clinical testing. Allele origin: germline. Observed: 1 variant allele, 1 heterozygote.

PreventionGenetics, part of Exact Sciences
Classification: Likely benign for RPS6KA3-related condition. Last evaluated: 2021-10-27. Review status: no assertion criteria provided. Collection method: clinical testing. Allele origin: germline. Not counted in ClinVar's aggregate classification.
Comment: This variant is classified as likely benign based on ACMG/AMP sequence variant interpretation guidelines (Richards et al. 2015 PMID: 25741868, with internal and published modifications).

Centre de Biologie Pathologie Génétique, Centre Hospitalier Universitaire de Lille
Classification: Uncertain significance for Intellectual disability. Last evaluated: 2019-01-01. Review status: no assertion criteria provided. Collection method: clinical testing. Allele origin: unknown. Affected: yes. Not counted in ClinVar's aggregate classification.

Literature cited by the submitters: PubMed 11180593 (cited by Ambry Genetics); PubMed 19377476 (cited by Ambry Genetics).

NM_004586.3(RPS6KA3):c.2168G>A (p.Arg723His)

Gene: RPS6KA3 (ribosomal protein S6 kinase A3; minus strand). Cytogenetic location: Xp22.12.
Variant type: single nucleotide variant.
Coding change: c.2168G>A on transcript NM_004586.3 (MANE Select); coding-DNA position 2168, G replaced by A.
Protein change: p.Arg723His; replaces arginine 723 with histidine.
Molecular consequence: missense variant.
Genome position (GRCh38, 1-based): chrX:20,155,453, C>T on the plus strand (G>A on the coding strand, the complement: RPS6KA3 is on the minus strand). VCF-style: chrX-20155453-C-T. GRCh37 (hg19) VCF-style: chrX-20173571-C-T.
Other names: short protein forms R723H.
Identifiers: ClinVar variation 212070 (VCV000212070.55), dbSNP rs144984628, ClinGen allele CA207224.
Genomic context (GRCh38, chrX:20,155,453, plus strand): 5'-TCACTTCACAGGGCTGTTGAGGTGATTTTTTTAATACCTCTCCGCTGAGCAAGAGTAGAG[C>T]GGCCTACTGGTTCCAAAACTGGTGACTGATTACGGTTCAAAGCAGAATATGTAGCTGCCA-3'
Protein context (NP_004577.1, residues 713-733): NQSPVLEPVG[Arg723His]STLAQRRGIK